The following is an entry in ClinVar:

NM_001099274.3(TINF2):c.1048A>G (p.Thr350Ala)

Gene: TINF2 (TERF1 interacting nuclear factor 2; minus strand). Cytogenetic location: 14q12.
Variant type: single nucleotide variant.
Coding change: c.1048A>G on transcript NM_001099274.3 (MANE Select); coding-DNA position 1048, A replaced by G.
Protein change: p.Thr350Ala; replaces threonine 350 with alanine.
Molecular consequence: missense variant.
Genome position (GRCh38, 1-based): chr14:24,240,432, T>C on the plus strand (A>G on the coding strand, the complement: TINF2 is on the minus strand). VCF-style: chr14-24240432-T-C. GRCh37 (hg19) VCF-style: chr14-24709638-T-C.
Other names: c.943A>G, p.Thr315Ala (NM_001363668.2); c.1048A>G, p.Thr350Ala (NM_012461.3); short protein forms T350A, T315A.
Identifiers: ClinVar variation 2174737 (VCV002174737.4), dbSNP rs1167790409, ClinGen allele CA389223431.
Genomic context (GRCh38, chr14:24,240,432, plus strand): 5'-CAGGCAAAGAATGTGCTCCTAGTAAGAAGCAACTCTGTTCCACTCACTCCTTTTGCTCTG[T>C]GGCAGGCAAGTCAACTGGGTTCTCCTTCAGAGCCCTTCCCCCCAGGGTCTGGCATGGACT-3'
Protein context (NP_001092744.1, residues 340-360): LKENPVDLPA[Thr350Ala]EQKENCLDCY

ClinVar aggregate classification (germline): Uncertain significance (1 of 4 stars; one submission).

Conditions:
Dyskeratosis congenita. Identifiers: Orphanet 1775, MedGen C0265965, MONDO:0015780.

Allele frequency attached by ClinVar (database versions not stated): gnomAD exomes below 0.00001; TOPMed 0.00002.
gnomAD v4.1: 2 of 1,614,192 alleles (0.00012%); highest among the groups gnomAD compares: Admixed American, 0.0033%; no homozygotes.

Submission:

Labcorp Genetics (formerly Invitae), Labcorp
Classification: Uncertain significance for Dyskeratosis congenita. Last evaluated: 2022-09-06. Review status: criteria provided, single submitter. Criteria: Invitae Variant Classification Sherloc (09022015). Collection method: clinical testing. Allele origin: germline.
Comment: In summary, the available evidence is currently insufficient to determine the role of this variant in disease. Therefore, it has been classified as a Variant of Uncertain Significance. Algorithms developed to predict the effect of missense changes on protein structure and function output the following: SIFT: "Tolerated"; PolyPhen-2: "Benign"; Align-GVGD: "Class C0". The alanine amino acid residue is found in multiple mammalian species, which suggests that this missense change does not adversely affect protein function. This variant has not been reported in the literature in individuals affected with TINF2-related conditions. This variant is present in population databases (no rsID available, gnomAD 0.006%). This sequence change replaces threonine, which is neutral and polar, with alanine, which is neutral and non-polar, at codon 350 of the TINF2 protein (p.Thr350Ala).